The following is an entry in ClinVar:

ClinVar aggregate classification (germline): Likely benign. Review status: criteria provided, multiple submitters, no conflicts (2 of 4 stars). 2 submissions from 2 submitters: Likely benign (2). Last evaluated 2026-01-13.

Allele frequency attached by ClinVar (database versions not stated): gnomAD exomes below 0.00001 and 0.00002; ExAC 0.00002; ESP Exome Variant Server 0.00008; gnomAD 0.00009 and 0.00010; TOPMed 0.00011.
gnomAD v4.1: 21 of 1,612,308 alleles (0.0013%); highest among the groups gnomAD compares: African/African-American, 0.027%; no homozygotes.

Submissions (2):

Labcorp Genetics (formerly Invitae), Labcorp
Classification: Likely benign. Last evaluated: 2026-01-13. Review status: criteria provided, single submitter. Criteria: Invitae Variant Classification Sherloc (09022015). Collection method: clinical testing. Allele origin: germline.

Laboratory for Molecular Medicine, Mass General Brigham Personalized Medicine
Classification: Likely benign. Last evaluated: 2011-07-07. Review status: criteria provided, single submitter. Criteria: LMM Criteria. Collection method: clinical testing. Allele origin: germline. Observed: 1 variant allele.
Comment: Arg2952Arg in exon 61 of CDH23: This variant is not expected to have clinical si gnificance because it does not alter an amino acid residue and is not located ne ar a splice junction.

NM_022124.6(CDH23):c.8856G>A (p.Arg2952=)

Gene: CDH23 (cadherin related 23; plus strand). Cytogenetic location: 10q22.1.
Variant type: single nucleotide variant.
Coding change: c.8856G>A on transcript NM_022124.6 (MANE Select); coding-DNA position 8856, G replaced by A.
Protein change: p.Arg2952=; no amino-acid change (arginine 2952 retained).
Molecular consequence: synonymous variant.
Genome position (GRCh38, 1-based): chr10:71,809,953, G>A. VCF-style: chr10-71809953-G-A. GRCh37 (hg19) VCF-style: chr10-73569710-G-A.
Other names: c.2136G>A, p.Arg712= (NM_001171933.1, NM_001171934.1).
Identifiers: ClinVar variation 46056 (VCV000046056.12), dbSNP rs377598904, ClinGen allele CA137609.